The following is an entry in ClinVar:

ClinVar aggregate classification (germline): Uncertain significance (1 of 4 stars; one submission).

gnomAD v4.1: 3 of 1,614,174 alleles (0.00019%); highest among the groups gnomAD compares: Non-Finnish European, 0.00025%; no homozygotes.

Submission:

Ambry Genetics
Classification: Uncertain significance. Last evaluated: 2024-04-27. Review status: criteria provided, single submitter. Criteria: Ambry Variant Classification Scheme 2023. Collection method: clinical testing. Allele origin: germline.
Comment: The p.D1346A variant (also known as c.4037A>C), located in coding exon 16 of the POLQ gene, results from an A to C substitution at nucleotide position 4037. The aspartic acid at codon 1346 is replaced by alanine, an amino acid with dissimilar properties. This amino acid position is conserved. In addition, this alteration is predicted to be tolerated by in silico analysis. Based on the available evidence, the clinical significance of this variant remains unclear.

NM_199420.4(POLQ):c.4037A>C (p.Asp1346Ala)

Gene: POLQ (DNA polymerase theta; minus strand). Cytogenetic location: 3q13.33.
Variant type: single nucleotide variant.
Coding change: c.4037A>C on transcript NM_199420.4 (MANE Select); coding-DNA position 4037, A replaced by C.
Protein change: p.Asp1346Ala; replaces aspartic acid 1346 with alanine.
Molecular consequence: missense variant.
Genome position (GRCh38, 1-based): chr3:121,488,894, T>G on the plus strand (A>C on the coding strand, the complement: POLQ is on the minus strand). VCF-style: chr3-121488894-T-G. GRCh37 (hg19) VCF-style: chr3-121207741-T-G.
Other names: short protein forms D1346A.
Identifiers: ClinVar variation 3308655 (VCV003308655.1).
Genomic context (GRCh38, chr3:121,488,894, plus strand): 5'-GAGTTCATTGAGTTCTGTTGGACTAAGCTCTTCTGCATTATCCCTGCTGCCAGGTTGGTG[T>G]CCTTTGCTCCTAGTTTGGCATTTTCAGTTGCCATCTGTTGTATTATTTTCTCTGACTGAG-3'
Protein context (NP_955452.3, residues 1336-1356): ATENAKLGAK[Asp1346Ala]TNLAAGIMQK